The following is an entry in ClinVar:

ClinVar aggregate classification (germline): Likely pathogenic (1 of 4 stars; one submission).

Conditions:
Autosomal recessive limb-girdle muscular dystrophy type 2F (LGMDR6). Also called: Muscular dystrophy limb-girdle with delta-sarcoglyan deficiency; MUSCULAR DYSTROPHY, LIMB-GIRDLE, AUTOSOMAL RECESSIVE 6. Identifiers: Orphanet 219, MedGen C1832525, MONDO:0011028, OMIM 601287. Disease mechanism: Affects gamma-sarcoglycan and also disrupts the integrity of the entire sarcoglycan complex..

Submission:

Myriad Genetics, Inc.
Classification: Likely pathogenic for Autosomal recessive limb-girdle muscular dystrophy type 2F. Last evaluated: 2022-03-31. Review status: criteria provided, single submitter. Criteria: Myriad Women's Health Autosomal Recessive and X-Linked Classification Criteria (2021). Collection method: clinical testing. Allele origin: unknown.
Comment: NM_000337.5(SGCD):c.208_210delCTGinsGT(L70Vfs*8) is expected to be pathogenic in the context of delta-sarcoglycanopathy. This variant is predicted to lead to an abnormal or absent protein product due to the creation of a premature termination codon in SGCD, a gene where loss-of-function variants are known to be pathogenic. Please note: this variant was assessed in the context of healthy population screening.

NM_000337.6(SGCD):c.208_210delinsGT (p.Leu70fs)

Gene: SGCD (sarcoglycan delta; plus strand). Cytogenetic location: 5q33.3.
Variant type: Indel.
Coding change: c.208_210delinsGT on transcript NM_000337.6 (MANE Select); coding-DNA positions 208 to 210, CTG replaced by GT.
Protein change: p.Leu70fs; shifts the reading frame from leucine 70.
Molecular consequence: frameshift variant.
Genome position (GRCh38, 1-based): chr5:156,508,616-156,508,618, CTG replaced by GT. VCF-style: chr5-156508616-CTG-GT. GRCh37 (hg19) VCF-style: chr5-155935626-CTG-GT.
Other names: c.205_207delinsGT, p.Leu69fs (NM_001128209.2); c.208_210delinsGT, p.Leu70fs (NM_172244.3); short protein forms L69fs, L70fs.
Identifiers: ClinVar variation 1725718 (VCV001725718.2), dbSNP rs2479930880, ClinGen allele CA2580073935.